The following is an entry in ClinVar:

NM_001267550.2(TTN):c.63585del (p.Phe21195fs)

Genes: TTN-AS1 (TTN antisense RNA 1; plus strand), TTN (titin; minus strand). Cytogenetic location: 2q31.2.
Variant type: Deletion.
Coding change: c.63585del on transcript NM_001267550.2 (MANE Select); coding-DNA position 63585, one base deleted (T; older notation c.63585delT).
Protein change: p.Phe21195fs; shifts the reading frame from phenylalanine 21195.
Molecular consequence: frameshift variant.
Genome position (GRCh38, 1-based): chr2:178,587,724, A deleted on the plus strand (T on the coding strand, the reverse complement: TTN is on the minus strand); the first of 3 consecutive A bases (chr2:178,587,724-178,587,726); deleting any one gives the same sequence. VCF-style (leftmost placement, unchanged base first): chr2-178587723-CA-C. GRCh37 (hg19) VCF-style: chr2-179452450-CA-C.
Other names: c.36390del, p.Phe12130fs (NM_003319.4); c.55881del, p.Phe18627fs (NM_133378.4); c.36765del, p.Phe12255fs (NM_133432.3); c.36966del, p.Phe12322fs (NM_133437.4); c.58662del, p.Phe19554fs (NM_001256850.1); short protein forms F12130fs, F19554fs, F12255fs, F18627fs, F12322fs, F21195fs.
Identifiers: ClinVar variation 4787311 (VCV004787311.1).
Genomic context (GRCh38, chr2:178,587,723, plus strand): 5'-CATTATCAATGCCAACTTTTCGCCAAGTGACTTTAGGGGCTGGTCGTCCTCTCACTATAG[CA>C]AAGAGACGAATAGGGCATCCTGCTCTCACTATGACCAGTTTCCTCATGCTGGCATCCAAA-3'

ClinVar aggregate classification (germline): Likely pathogenic (1 of 4 stars; one submission).

Conditions:
Autosomal recessive limb-girdle muscular dystrophy type 2J (LGMDR10). Also called: Limb-girdle muscular dystrophy, type 2J; MUSCULAR DYSTROPHY, LIMB-GIRDLE, AUTOSOMAL RECESSIVE 10. Identifiers: Orphanet 140922, MedGen C1837342, MONDO:0012127, OMIM 608807.
Dilated cardiomyopathy 1G (CMD1G). Identifiers: Orphanet 154, MedGen C1858763, MONDO:0011400, OMIM 604145.

Submission:

Labcorp Genetics (formerly Invitae), Labcorp
Classification: Likely pathogenic for Dilated cardiomyopathy 1G; Autosomal recessive limb-girdle muscular dystrophy type 2J. Last evaluated: 2026-01-27. Review status: criteria provided, single submitter. Criteria: Invitae Variant Classification Sherloc (09022015). Collection method: clinical testing. Allele origin: germline.
Comment: This sequence change creates a premature translational stop signal (p.Phe21195Leufs*3) in the TTN gene. While this is not anticipated to result in nonsense mediated decay, it is expected to create a truncated TTN protein. This variant is not present in population databases (gnomAD no frequency). This premature translational stop signal has been observed in individual(s) with clinical features of dilated cardiomyopathy (internal data). This variant is located in the A band of TTN (PMID: 25589632). Truncating variants in this region are significantly overrepresented in patients affected with dilated cardiomyopathy (PMID: 25589632). Truncating variants in this region have also been reported in individuals affected with autosomal recessive centronuclear myopathy (PMID: 23975875). In summary, the currently available evidence indicates that the variant is pathogenic, but additional data are needed to prove that conclusively. Therefore, this variant has been classified as Likely Pathogenic.

Literature cited by the submitters: PubMed 25589632; PubMed 23975875.